The following is an entry in ClinVar:

ClinVar aggregate classification (germline): Uncertain significance (1 of 4 stars; one submission).

Allele frequency attached by ClinVar (database versions not stated): gnomAD exomes below 0.00001.
gnomAD v4.1: 2 of 1,613,740 alleles (0.00012%); highest among the groups gnomAD compares: Non-Finnish European, 0.000085%; no homozygotes.

Submission:

Labcorp Genetics (formerly Invitae), Labcorp
Classification: Uncertain significance. Last evaluated: 2022-10-30. Review status: criteria provided, single submitter. Criteria: Invitae Variant Classification Sherloc (09022015). Collection method: clinical testing. Allele origin: germline.
Comment: This variant has not been reported in the literature in individuals affected with ROBO2-related conditions. This variant is not present in population databases (gnomAD no frequency). This sequence change replaces proline, which is neutral and non-polar, with threonine, which is neutral and polar, at codon 806 of the ROBO2 protein (p.Pro806Thr). Advanced modeling of protein sequence and biophysical properties (such as structural, functional, and spatial information, amino acid conservation, physicochemical variation, residue mobility, and thermodynamic stability) performed at Invitae indicates that this missense variant is not expected to disrupt ROBO2 protein function. In summary, the available evidence is currently insufficient to determine the role of this variant in disease. Therefore, it has been classified as a Variant of Uncertain Significance.

NM_001395656.1(ROBO2):c.2428C>A (p.Pro810Thr)

Gene: ROBO2 (roundabout guidance receptor 2; plus strand). Cytogenetic location: 3p12.3.
Variant type: single nucleotide variant.
Coding change: c.2428C>A on transcript NM_001395656.1 (MANE Select); coding-DNA position 2428, C replaced by A.
Protein change: p.Pro810Thr; replaces proline 810 with threonine.
Molecular consequence: missense variant.
Genome position (GRCh38, 1-based): chr3:77,580,034, C>A. VCF-style: chr3-77580034-C-A. GRCh37 (hg19) VCF-style: chr3-77629185-C-A.
Other names: c.2464C>A, p.Pro822Thr (NM_001128929.3); c.2428C>A, p.Pro810Thr (NM_001290039.2, NM_001290040.2, NM_001378202.1); c.637C>A, p.Pro213Thr (NM_001290065.2); c.2476C>A, p.Pro826Thr (NM_001378190.1, NM_001378191.1, NM_001378195.1 and 4 more transcripts); c.2497C>A, p.Pro833Thr (NM_001378192.1, NM_001378194.1, NM_001378198.1 and 2 more transcripts); c.2416C>A, p.Pro806Thr (NM_001378193.1, NM_001378197.1, NM_002942.5); c.2485C>A, p.Pro829Thr (NM_001394212.1, NM_001394214.1, NM_001395657.1); short protein forms P213T, P806T, P810T, P826T, P822T, P829T, P833T.
Identifiers: ClinVar variation 1962796 (VCV001962796.5), dbSNP rs2549100561, ClinGen allele CA353522945.